The following is an entry in ClinVar:

NM_012213.3(MLYCD):c.979A>C (p.Ser327Arg)

Gene: MLYCD (malonyl-CoA decarboxylase; plus strand). Cytogenetic location: 16q23.3.
Variant type: single nucleotide variant.
Coding change: c.979A>C on transcript NM_012213.3 (MANE Select); coding-DNA position 979, A replaced by C.
Protein change: p.Ser327Arg; replaces serine 327 with arginine.
Molecular consequence: missense variant.
Genome position (GRCh38, 1-based): chr16:83,914,986, A>C. VCF-style: chr16-83914986-A-C. GRCh37 (hg19) VCF-style: chr16-83948591-A-C.
Other names: short protein forms S327R.
Identifiers: ClinVar variation 420667 (VCV000420667.3), dbSNP rs1064794623, ClinGen allele CA16620276.

ClinVar aggregate classification (germline): Likely pathogenic (1 of 4 stars; one submission).

Submission:

GeneDx
Classification: Likely pathogenic. Last evaluated: 2024-11-06. Review status: criteria provided, single submitter. Criteria: GeneDx Variant Classification Process June 2021. Collection method: clinical testing. Allele origin: germline. Affected: yes.
Comment: Has not been previously published as pathogenic or benign to our knowledge; Not observed at significant frequency in large population cohorts (gnomAD); In silico analysis supports that this missense variant has a deleterious effect on protein structure/function